The following is an entry in ClinVar:

NM_000254.3(MTR):c.365C>T (p.Ala122Val)

Gene: MTR (5-methyltetrahydrofolate-homocysteine methyltransferase; plus strand). Cytogenetic location: 1q43.
Variant type: single nucleotide variant.
Coding change: c.365C>T on transcript NM_000254.3 (MANE Select); coding-DNA position 365, C replaced by T.
Protein change: p.Ala122Val; replaces alanine 122 with valine.
Molecular consequence: missense variant. On other transcripts: 5 prime UTR variant (1).
Genome position (GRCh38, 1-based): chr1:236,808,729, C>T. VCF-style: chr1-236808729-C-T. GRCh37 (hg19) VCF-style: chr1-236972029-C-T.
Other names: c.365C>T, p.Ala122Val (NM_001291939.1, NM_001410942.1); c.-744C>T (NM_001291940.2); short protein forms A122V.
Identifiers: ClinVar variation 3296753 (VCV003296753.2).

ClinVar aggregate classification (germline): Uncertain significance. Review status: criteria provided, multiple submitters, no conflicts (2 of 4 stars). 2 submissions from 2 submitters: Uncertain significance (2). Last evaluated 2025-09-24.

Conditions:
Methylcobalamin deficiency type cblG (HMAG). Also called: HOMOCYSTINURIA-MEGALOBLASTIC ANEMIA, cblG COMPLEMENTATION TYPE; Functional methionine synthase deficiency type cblG; HOMOCYSTINURIA-MEGALOBLASTIC ANEMIA DUE TO DEFECT IN COBALAMIN METABOLISM, cblG COMPLEMENTATION TYPE; HOMOCYSTINURIA-MEGALOBLASTIC ANEMIA, cblG TYPE. Identifiers: Orphanet 2170, Orphanet 622, MedGen C1855128, MONDO:0009609, OMIM 250940.
Inborn genetic diseases. Identifiers: MedGen C0950123, MeSH D030342.

gnomAD v4.1: 4 of 1,614,186 alleles (0.00025%); highest among the groups gnomAD compares: East Asian, 0.0089%; no homozygotes.

Submissions (2):

Labcorp Genetics (formerly Invitae), Labcorp
Classification: Uncertain significance for Methylcobalamin deficiency type cblG. Last evaluated: 2025-09-24. Review status: criteria provided, single submitter. Criteria: Invitae Variant Classification Sherloc (09022015). Collection method: clinical testing. Allele origin: germline.
Comment: This sequence change replaces alanine, which is neutral and non-polar, with valine, which is neutral and non-polar, at codon 122 of the MTR protein (p.Ala122Val). This variant is present in population databases (rs557603489, gnomAD 0.02%). This variant has not been reported in the literature in individuals affected with MTR-related conditions. ClinVar contains an entry for this variant (Variation ID: 3296753). Invitae Evidence Modeling of protein sequence and biophysical properties (such as structural, functional, and spatial information, amino acid conservation, physicochemical variation, residue mobility, and thermodynamic stability) has been performed for this missense variant. However, the output from this modeling did not meet the statistical confidence thresholds required to predict the impact of this variant on MTR protein function. In summary, the available evidence is currently insufficient to determine the role of this variant in disease. Therefore, it has been classified as a Variant of Uncertain Significance.

Ambry Genetics
Classification: Uncertain significance for Inborn genetic diseases. Last evaluated: 2024-03-25. Review status: criteria provided, single submitter. Criteria: Ambry Variant Classification Scheme 2023. Collection method: clinical testing. Allele origin: germline.